The following is an entry in ClinVar:

NM_001267550.2(TTN):c.80922del (p.Pro26975fs)

Genes: TTN (titin; minus strand), TTN-AS1 (TTN antisense RNA 1; plus strand). Cytogenetic location: 2q31.2.
Variant type: Deletion.
Coding change: c.80922del on transcript NM_001267550.2 (MANE Select); coding-DNA position 80922, one base deleted (A; older notation c.80922delA).
Protein change: p.Pro26975fs; shifts the reading frame from proline 26975.
Molecular consequence: frameshift variant.
Genome position (GRCh38, 1-based): chr2:178,565,210, T deleted on the plus strand (A on the coding strand, the reverse complement: TTN is on the minus strand). VCF-style (leftmost placement, unchanged base first): chr2-178565209-GT-G. GRCh37 (hg19) VCF-style: chr2-179429936-GT-G.
Other names: c.75999del, p.Pro25334fs (NM_001256850.1); c.53727del, p.Pro17910fs (NM_003319.4); c.73218del, p.Pro24407fs (NM_133378.4); c.54102del, p.Pro18035fs (NM_133432.3); c.54303del, p.Pro18102fs (NM_133437.4); short protein forms P17910fs, P18035fs, P18102fs, P24407fs, P25334fs, P26975fs.
Identifiers: ClinVar variation 3377387 (VCV003377387.1).
Genomic context (GRCh38, chr2:178,565,209, plus strand): 5'-CCCAAGATATGACTACAAAGTCTGCACTAACTTCATCAAACCGAACTGGGCCAACTGGAG[GT>G]CCAGGCTTTTCTAAAACGATAACACTGAGATTTTCTGTTGCTGTGCCTGCACTATTTGTT-3'

ClinVar aggregate classification (germline): Likely pathogenic (1 of 4 stars; one submission).

Conditions:
Dilated cardiomyopathy 1G (CMD1G). Identifiers: Orphanet 154, MedGen C1858763, MONDO:0011400, OMIM 604145.

Submission:

Victorian Clinical Genetics Services, Murdoch Childrens Research Institute
Classification: Likely pathogenic for Dilated cardiomyopathy 1G. Last evaluated: 2023-12-21. Review status: criteria provided, single submitter. Criteria: ACMG Guidelines, 2015. Collection method: clinical testing. Allele origin: germline. Inheritance: Autosomal dominant inheritance. Affected: yes.
Comment: Based on the classification scheme VCGS_Germline_v1.3.4, this variant is classified as Likely pathogenic. Following criteria are met: 0102 - Loss of function is known mechanism of disease in this gene. In addition, dominant-negative is also a suggested mechanism. (PMID: 25589632). (I) 0108 - This gene is associated with both recessive and dominant disease (OMIM). (I) 0112 - The condition associated with this gene has incomplete penetrance. Variants in this gene that result in a premature termination codon (PTC) are known to have reduced penetrance in DCM (PMID: 25589632). (I) 0201 - Variant is predicted to cause nonsense-mediated decay (NMD) and loss of protein (premature termination codon is located at least 54 nucleotides upstream of the final exon-exon junction). (SP) 0251 - This variant is heterozygous. (I) 0301 - Variant is absent from gnomAD (both v2 and v3). (SP) 0600 - Variant is located in the annotated A-band and the exon has a PSI score of 100% (PMID: 25589632). (I) 0702 - Other NMD-predicted variants comparable to the one identified in this case have strong previous evidence for pathogenicity (ClinVar). (SP) 0807 - This variant has no previous evidence of pathogenicity. (I) 0905 - No published segregation evidence has been identified for this variant. (I) 1007 - No published functional evidence has been identified for this variant. (I) 1208 - Inheritance information for this variant is not currently available in this individual. (I) Legend: (SP) - Supporting pathogenic, (I) - Information, (SB) - Supporting benign

Literature cited by the submitters: PubMed 25589632.